The following is an entry in ClinVar:

NM_007294.4(BRCA1):c.731A>C (p.Asn244Thr)

Gene: BRCA1 (BRCA1 DNA repair associated; minus strand). Cytogenetic location: 17q21.31.
Variant type: single nucleotide variant.
Coding change: c.731A>C on transcript NM_007294.4 (MANE Select); coding-DNA position 731, A replaced by C.
Protein change: p.Asn244Thr; replaces asparagine 244 with threonine.
Molecular consequence: missense variant. On other transcripts: intron variant (13), 5 prime UTR variant (2).
Genome position (GRCh38, 1-based): chr17:43,094,800, T>G on the plus strand (A>C on the coding strand, the complement: BRCA1 is on the minus strand). VCF-style: chr17-43094800-T-G. GRCh37 (hg19) VCF-style: chr17-41246817-T-G.
Other names: c.608A>C, p.Asn203Thr (NM_001408444.1, NM_001408425.1, NM_001408426.1 and 34 more transcripts); c.605A>C, p.Asn202Thr (NM_001408445.1, NM_001408446.1, NM_001408447.1 and 20 more transcripts); c.596A>C, p.Asn199Thr (NM_001408451.1); c.590A>C, p.Asn197Thr (NM_001408452.1, NM_001408453.1, NM_001408466.1 and 43 more transcripts); c.728A>C, p.Asn243Thr (NM_001408396.1, NM_001408397.1, NM_001408398.1 and 38 more transcripts); c.731A>C, p.Asn244Thr (NM_001408403.1, NM_001408404.1, NM_001408472.1 and 53 more transcripts); c.650A>C, p.Asn217Thr (NM_001408416.1, NM_001407659.1, NM_001407660.1 and 3 more transcripts); c.587A>C, p.Asn196Thr (NM_001408464.1, NM_001408465.1, NM_001408468.1 and 26 more transcripts); and 20 more; short protein forms N199T, N203T, N217T, N218T, N76T, N155T, N176T, N177T.
Identifiers: ClinVar variation 5033152 (VCV005033152.1).

ClinVar aggregate classification (germline): Uncertain significance (1 of 4 stars; one submission).

Conditions:
Hereditary cancer-predisposing syndrome. Also called: Neoplastic Syndromes, Hereditary; Tumor predisposition; Hereditary neoplastic syndrome; Hereditary Cancer Syndrome. Identifiers: Orphanet 140162, MedGen C0027672, MeSH D009386, MONDO:0015356.

Submission:

Ambry Genetics
Classification: Uncertain significance for Hereditary cancer-predisposing syndrome. Last evaluated: 2026-06-27. Review status: criteria provided, single submitter. Criteria: Ambry Variant Classification Scheme 2023. Collection method: clinical testing. Allele origin: germline.
Comment: The p.N244T variant (also known as c.731A>C), located in coding exon 9 of the BRCA1 gene, results from an A to C substitution at nucleotide position 731. The asparagine at codon 244 is replaced by threonine, an amino acid with similar properties. This amino acid position is conserved. In addition, the in silico prediction for this alteration is inconclusive. Based on the available evidence, the clinical significance of this variant remains unclear.